The following is an entry in ClinVar:

ClinVar aggregate classification (germline): Uncertain significance (1 of 4 stars; one submission).

Submission:

Labcorp Genetics (formerly Invitae), Labcorp
Classification: Uncertain significance. Last evaluated: 2023-12-09. Review status: criteria provided, single submitter. Criteria: Invitae Variant Classification Sherloc (09022015). Collection method: clinical testing. Allele origin: germline.
Comment: This sequence change replaces glutamic acid, which is acidic and polar, with glycine, which is neutral and non-polar, at codon 3499 of the KMT2A protein (p.Glu3499Gly). This variant is not present in population databases (gnomAD no frequency). This variant has not been reported in the literature in individuals affected with KMT2A-related conditions. Advanced modeling of protein sequence and biophysical properties (such as structural, functional, and spatial information, amino acid conservation, physicochemical variation, residue mobility, and thermodynamic stability) performed at Invitae indicates that this missense variant is not expected to disrupt KMT2A protein function with a negative predictive value of 95%. In summary, the available evidence is currently insufficient to determine the role of this variant in disease. Therefore, it has been classified as a Variant of Uncertain Significance.

NM_001197104.2(KMT2A):c.10496A>G (p.Glu3499Gly)

Gene: KMT2A (lysine methyltransferase 2A; plus strand). Cytogenetic location: 11q23.3.
Variant type: single nucleotide variant.
Coding change: c.10496A>G on transcript NM_001197104.2 (MANE Select); coding-DNA position 10496, A replaced by G.
Protein change: p.Glu3499Gly; replaces glutamic acid 3499 with glycine.
Molecular consequence: missense variant.
Genome position (GRCh38, 1-based): chr11:118,506,388, A>G. VCF-style: chr11-118506388-A-G. GRCh37 (hg19) VCF-style: chr11-118377103-A-G.
Other names: c.10586A>G, p.Glu3529Gly (NM_001412597.1); c.10487A>G, p.Glu3496Gly (NM_005933.4); short protein forms E3529G, E3499G, E3496G.
Identifiers: ClinVar variation 2701654 (VCV002701654.3), dbSNP rs1950583763, ClinGen allele CA382825976.